The following is an entry in ClinVar:

NM_000642.3(AGL):c.1457G>A (p.Cys486Tyr)

Gene: AGL (amylo-alpha-1,6-glucosidase and 4-alpha-glucanotransferase; plus strand). Cytogenetic location: 1p21.2.
Variant type: single nucleotide variant.
Coding change: c.1457G>A on transcript NM_000642.3 (MANE Select); coding-DNA position 1457, G replaced by A.
Protein change: p.Cys486Tyr; replaces cysteine 486 with tyrosine.
Molecular consequence: missense variant.
Genome position (GRCh38, 1-based): chr1:99,877,674, G>A. VCF-style: chr1-99877674-G-A. GRCh37 (hg19) VCF-style: chr1-100343230-G-A.
Other names: c.1457G>A, p.Cys486Tyr (NM_000028.3, NM_000643.3, NM_000644.3 and 2 more transcripts); c.1409G>A, p.Cys470Tyr (NM_000646.3); c.1256G>A, p.Cys419Tyr (NM_001425327.1); c.1253G>A, p.Cys418Tyr (NM_001425328.1, NM_001425329.1); c.1079G>A, p.Cys360Tyr (NM_001425332.1); short protein forms C470Y, C486Y, C360Y, C418Y, C419Y.
Identifiers: ClinVar variation 864808 (VCV000864808.10), dbSNP rs1651660863, ClinGen allele CA341314540.

ClinVar aggregate classification (germline): Uncertain significance (1 of 4 stars; one submission).

Conditions:
Glycogen storage disease type III (GSD3). Also called: Cori disease; FORBES DISEASE. Identifiers: Orphanet 366, MedGen C0017922, MONDO:0009291, OMIM 232400.

Submission:

Labcorp Genetics (formerly Invitae), Labcorp
Classification: Uncertain significance for Glycogen storage disease type III. Last evaluated: 2023-05-22. Review status: criteria provided, single submitter. Criteria: Invitae Variant Classification Sherloc (09022015). Collection method: clinical testing. Allele origin: germline.
Comment: This variant has not been reported in the literature in individuals affected with AGL-related conditions. In summary, the available evidence is currently insufficient to determine the role of this variant in disease. Therefore, it has been classified as a Variant of Uncertain Significance. Advanced modeling of protein sequence and biophysical properties (such as structural, functional, and spatial information, amino acid conservation, physicochemical variation, residue mobility, and thermodynamic stability) performed at Invitae indicates that this missense variant is expected to disrupt AGL protein function. ClinVar contains an entry for this variant (Variation ID: 864808). This variant is not present in population databases (gnomAD no frequency). This sequence change replaces cysteine, which is neutral and slightly polar, with tyrosine, which is neutral and polar, at codon 486 of the AGL protein (p.Cys486Tyr).